The following is an entry in ClinVar:

ClinVar aggregate classification (germline): Likely pathogenic (1 of 4 stars; one submission).

Conditions:
Deficiency of aromatic-L-amino-acid decarboxylase. Also called: AADC DEFICIENCY; DDC DEFICIENCY; DOPA DECARBOXYLASE DEFICIENCY; Aromatic L-Amino Acid Decarboxylase Deficiency; Aromatic amino acid decarboxylase deficiency. Identifiers: Orphanet 35708, MedGen C1291564, MONDO:0012084, OMIM 608643.

gnomAD v4.1: 2 of 1,613,992 alleles (0.00012%); highest among the groups gnomAD compares: South Asian, 0.0022%; no homozygotes.

Submission:

Victorian Clinical Genetics Services, Murdoch Childrens Research Institute
Classification: Likely pathogenic for Deficiency of aromatic-L-amino-acid decarboxylase. Last evaluated: 2026-04-16. Review status: criteria provided, single submitter. Criteria: ACMG Guidelines, 2015. Collection method: clinical testing. Allele origin: germline. Affected: yes.
Comment: This variant is classified as Likely pathogenic. Evidence in support of pathogenic classification: Variant is present in gnomAD <0.01 for a recessive condition (v4: 2 heterozygote(s), 0 homozygote(s)); Missense variant predicted to be damaging by in silico tool(s) or highly conserved with a major amino acid change; Very strong and specific phenotype match for this individual; Heterozygous variant detected in trans with a second PATHOGENIC heterozygous variant (NM_001082971.2(DDC):c.175G>A; p.(Asp59Asn)) in a recessive disease. Additional information: Variant is predicted to result in a missense amino acid change from Gly to Val; This variant is heterozygous; This gene is associated with autosomal recessive disease; Alternative amino acid change(s) at the same position are present in gnomAD (highest allele count: v4: 24 heterozygote(s), 0 homozygote(s)); This variant has no previous evidence of pathogenicity; No published evidence of segregation with disease has been identified for this variant; No published functional evidence has been identified for this variant; Another missense variant(s) comparable to the one identified in this case has inconclusive previous evidence for pathogenicity. p.(Gly67Glu) has been classified as a VUS by a clinical laboratory in ClinVar; Variant is located in the annotated pyridoxal-dependent decarboxylase conserved domain (DECIPHER); Loss of function is a known mechanism of disease in this gene and is associated with aromatic L-amino acid decarboxylase deficiency (AADC deficiency) (MIM#608643).

NM_001082971.2(DDC):c.200G>T (p.Gly67Val)

Gene: DDC (dopa decarboxylase; minus strand). Cytogenetic location: 7p12.1.
Variant type: single nucleotide variant.
Coding change: c.200G>T on transcript NM_001082971.2 (MANE Select); coding-DNA position 200, G replaced by T.
Protein change: p.Gly67Val; replaces glycine 67 with valine.
Molecular consequence: missense variant.
Genome position (GRCh38, 1-based): chr7:50,543,886, C>A on the plus strand (G>T on the coding strand, the complement: DDC is on the minus strand). VCF-style: chr7-50543886-C-A. GRCh37 (hg19) VCF-style: chr7-50611584-C-A.
Other names: c.200G>T, p.Gly67Val (NM_000790.4, NM_001242886.2, NM_001242887.2 and 3 more transcripts); short protein forms G67V.
Identifiers: ClinVar variation 4879752 (VCV004879752.1).
Genomic context (GRCh38, chr7:50,543,886, plus strand): 5'-CAAGTAGGTGCTATGTGAGTTCTAGCCCTCCTGTTTTCTGACCTTGGATACACACTTACC[C>A]CAGGCATGATTATCTTCTCAACGTCGTTGATGATGTCCTCAAACGTGTCTGGCTCCTGAG-3'
Protein context (NP_001076440.2, residues 57-77): INDVEKIIMP[Gly67Val]VTHWHSPYFF